The following is an entry in ClinVar:

ClinVar aggregate classification (germline): Conflicting classifications of pathogenicity. Review status: criteria provided, conflicting classifications (1 of 4 stars). 2 submissions from 2 submitters: Uncertain significance (1); Likely benign (1). Last evaluated 2025-05-16.

Conditions:
PLXNA3-related disorder. Also called: PLXNA3-related condition.

Allele frequency attached by ClinVar (database versions not stated): gnomAD 0.00006; TOPMed 0.00006; ExAC 0.00007; gnomAD exomes 0.00018.
gnomAD v4.1: 202 of 1,204,626 alleles (0.017%); highest among the groups gnomAD compares: Middle Eastern, 0.023%; no homozygotes.

Submissions (2):

PreventionGenetics, part of Exact Sciences
Classification: Uncertain significance for PLXNA3-related condition. Last evaluated: 2025-05-16. Review status: criteria provided, single submitter. Criteria: ACMG Guidelines, 2015. Collection method: clinical testing. Allele origin: germline.
Comment: The PLXNA3 c.2522G>A variant is predicted to result in the amino acid substitution p.Arg841His. To our knowledge, this variant has not been reported in the literature. This variant is reported in 0.0091% of alleles in individuals of European (Non-Finnish) descent in gnomAD. At this time, the clinical significance of this variant is uncertain due to the absence of conclusive functional and genetic evidence.

Ambry Genetics
Classification: Likely benign. Last evaluated: 2024-05-28. Review status: criteria provided, single submitter. Criteria: Ambry Variant Classification Scheme 2023. Collection method: clinical testing. Allele origin: germline.

NM_017514.5(PLXNA3):c.2522G>A (p.Arg841His)

Gene: PLXNA3 (plexin A3; plus strand). Cytogenetic location: Xq28.
Variant type: single nucleotide variant.
Coding change: c.2522G>A on transcript NM_017514.5 (MANE Select); coding-DNA position 2522, G replaced by A.
Protein change: p.Arg841His; replaces arginine 841 with histidine.
Molecular consequence: missense variant.
Genome position (GRCh38, 1-based): chrX:154,465,837, G>A. VCF-style: chrX-154465837-G-A. GRCh37 (hg19) VCF-style: chrX-153694180-G-A.
Other names: c.2522G>A (NM_017514.3); short protein forms R841H.
Identifiers: ClinVar variation 3054852 (VCV003054852.4), dbSNP rs782596274, ClinGen allele CA10564390.